The following is an entry in ClinVar:

ClinVar aggregate classification (germline): Uncertain significance (1 of 4 stars; one submission).

Allele frequency attached by ClinVar (database versions not stated): gnomAD exomes below 0.00001; ExAC 0.00001.

Submission:

Labcorp Genetics (formerly Invitae), Labcorp
Classification: Uncertain significance. Last evaluated: 2025-03-27. Review status: criteria provided, single submitter. Criteria: Invitae Variant Classification Sherloc (09022015). Collection method: clinical testing. Allele origin: germline.
Comment: This sequence change replaces proline, which is neutral and non-polar, with serine, which is neutral and polar, at codon 1540 of the ALPK3 protein (p.Pro1540Ser). This variant is present in population databases (rs777580670, gnomAD 0.006%). This variant has not been reported in the literature in individuals affected with ALPK3-related conditions. ClinVar contains an entry for this variant (Variation ID: 1966335). Invitae Evidence Modeling of protein sequence and biophysical properties (such as structural, functional, and spatial information, amino acid conservation, physicochemical variation, residue mobility, and thermodynamic stability) indicates that this missense variant is not expected to disrupt ALPK3 protein function with a negative predictive value of 80%. In summary, the available evidence is currently insufficient to determine the role of this variant in disease. Therefore, it has been classified as a Variant of Uncertain Significance.

NM_020778.5(ALPK3):c.4012C>T (p.Pro1338Ser)

Gene: ALPK3 (alpha kinase 3; plus strand). Cytogenetic location: 15q25.3.
Variant type: single nucleotide variant.
Coding change: c.4012C>T on transcript NM_020778.5 (MANE Select); coding-DNA position 4012, C replaced by T.
Protein change: p.Pro1338Ser; replaces proline 1338 with serine.
Molecular consequence: missense variant.
Genome position (GRCh38, 1-based): chr15:84,859,822, C>T. VCF-style: chr15-84859822-C-T. GRCh37 (hg19) VCF-style: chr15-85403053-C-T.
Other names: short protein forms P1338S.
Identifiers: ClinVar variation 1966335 (VCV001966335.5), dbSNP rs777580670, ClinGen allele CA7709805.